The following is an entry in ClinVar:

ClinVar aggregate classification (germline): Uncertain significance (1 of 4 stars; one submission).

Submission:

Ambry Genetics
Classification: Uncertain significance. Last evaluated: 2024-11-21. Review status: criteria provided, single submitter. Criteria: Ambry Variant Classification Scheme 2023. Collection method: clinical testing. Allele origin: germline.
Comment: The c.107-3T>C intronic variant results from a T to C substitution 3 nucleotides upstream from coding exon 2 in the KIF1B gene. This nucleotide position is not well conserved in available vertebrate species. In silico splice site analysis predicts that this alteration will not have any significant effect on splicing. The evidence for this gene-disease relationship is limited; therefore, the clinical significance of this alteration is unclear.

NM_001365951.3(KIF1B):c.107-3T>C

Gene: KIF1B (kinesin family member 1B; plus strand). Cytogenetic location: 1p36.22.
Variant type: single nucleotide variant.
Coding change: c.107-3T>C on transcript NM_001365951.3 (MANE Select); 3 bases into the intron before coding-DNA position 107, T replaced by C.
Molecular consequence: intron variant.
Genome position (GRCh38, 1-based): chr1:10,256,244, T>C. VCF-style: chr1-10256244-T-C. GRCh37 (hg19) VCF-style: chr1-10316302-T-C.
Other names: c.107-3T>C (NM_183416.4, NM_015074.3, NM_001365952.1 and 1 more transcripts).
Identifiers: ClinVar variation 3533909 (VCV003533909.1).
Genomic context (GRCh38, chr1:10,256,244, plus strand): 5'-ACATGTTTAACTAAAGAACTTGTAATTGAGTGACTTATAAAATGAAACATTTTTATCTTC[T>C]AGGTATTATTAACCCAAAGAATCCAAAGGAAGCTCCAAAGTCCTTCAGCTTCGACTATTC-3'